The following is an entry in ClinVar:

NM_144670.6(A2ML1):c.2429C>A (p.Ala810Asp)

Gene: A2ML1 (alpha-2-macroglobulin like 1; plus strand). Cytogenetic location: 12p13.31.
Variant type: single nucleotide variant.
Coding change: c.2429C>A on transcript NM_144670.6 (MANE Select); coding-DNA position 2429, C replaced by A.
Protein change: p.Ala810Asp; replaces alanine 810 with aspartic acid.
Molecular consequence: missense variant.
Genome position (GRCh38, 1-based): chr12:8,851,978, C>A. VCF-style: chr12-8851978-C-A. GRCh37 (hg19) VCF-style: chr12-9004574-C-A.
Other names: c.956C>A, p.Ala319Asp (NM_001282424.3); short protein forms A319D, A810D.
Identifiers: ClinVar variation 663877 (VCV000663877.9), dbSNP rs778855832, ClinGen allele CA6436011.

ClinVar aggregate classification (germline): Uncertain significance. Review status: criteria provided, multiple submitters, no conflicts (2 of 4 stars). 2 submissions from 2 submitters: Uncertain significance (2). Last evaluated 2022-05-07.

Allele frequency attached by ClinVar (database versions not stated): gnomAD exomes below 0.00001 and 0.00001; ExAC 0.00001.
gnomAD v4.1: 2 of 1,614,166 alleles (0.00012%); highest among the groups gnomAD compares: Admixed American, 0.0033%; no homozygotes.

Submissions (2):

Women's Health and Genetics/Laboratory Corporation of America, LabCorp
Classification: Uncertain significance. Last evaluated: 2022-05-07. Review status: criteria provided, single submitter. Criteria: LabCorp Variant Classification Summary - May 2015. Collection method: clinical testing. Allele origin: germline.

Labcorp Genetics (formerly Invitae), Labcorp
Classification: Uncertain significance. Last evaluated: 2018-11-14. Review status: criteria provided, single submitter. Criteria: Invitae Variant Classification Sherloc (09022015). Collection method: clinical testing. Allele origin: germline.
Comment: This variant is present in population databases (rs778855832, ExAC 0.009%). In summary, the available evidence is currently insufficient to determine the role of this variant in disease. Therefore, it has been classified as a Variant of Uncertain Significance. Algorithms developed to predict the effect of missense changes on protein structure and function are either unavailable or do not agree on the potential impact of this missense change (SIFT: "Deleterious"; PolyPhen-2: "Probably Damaging"; Align-GVGD: "Class C0"). This variant has not been reported in the literature in individuals with A2ML1-related disease. This sequence change replaces alanine with aspartic acid at codon 810 of the A2ML1 protein (p.Ala810Asp). The alanine residue is highly conserved and there is a moderate physicochemical difference between alanine and aspartic acid.